The following is an entry in ClinVar:

ClinVar aggregate classification (germline): Conflicting classifications of pathogenicity. Review status: criteria provided, conflicting classifications (1 of 4 stars). 3 submissions from 3 submitters: Uncertain significance (1); Likely benign (1). 1 of the submissions does not count toward it. Last evaluated 2025-03-05.

Conditions:
Duchenne muscular dystrophy (DMD). Also called: Duchenne Muscular Dystrophy (DMD); MUSCULAR DYSTROPHY, PSEUDOHYPERTROPHIC PROGRESSIVE, DUCHENNE TYPE. Identifiers: Orphanet 98896, MedGen C0013264, MONDO:0010679, OMIM 310200.
Dystrophin deficiency.
Becker muscular dystrophy (BMD). Also called: MUSCULAR DYSTROPHY, PSEUDOHYPERTROPHIC PROGRESSIVE, BECKER TYPE; Becker Muscular Dystrophy (BMD). Identifiers: Orphanet 98895, MedGen C0917713, MONDO:0010311, OMIM 300376.
Cardiomyopathy (CMYO). Also called: Cardiomyopathies. Identifiers: Orphanet 167848, MedGen C0878544, MONDO:0004994, HP:0001638. Inheritance: Various modes of inheritance.
Cardiovascular phenotype. Identifiers: MedGen CN230736.

Allele frequency attached by ClinVar (database versions not stated): gnomAD exomes below 0.00001 and 0.00001; TOPMed 0.00002; gnomAD 0.00003.
gnomAD v4.1: 5 of 1,206,063 alleles (0.00041%); highest among the groups gnomAD compares: African/African-American, 0.0088%; no homozygotes.

Submissions (3):

Labcorp Genetics (formerly Invitae), Labcorp
Classification: Likely benign for Duchenne muscular dystrophy. Last evaluated: 2025-03-05. Review status: criteria provided, single submitter. Criteria: Invitae Variant Classification Sherloc (09022015). Collection method: clinical testing. Allele origin: germline.

Ambry Genetics
Classification: Uncertain significance for Cardiovascular phenotype. Last evaluated: 2019-01-24. Review status: criteria provided, single submitter. Criteria: Ambry Variant Classification Scheme 2023. Collection method: clinical testing. Allele origin: germline.
Comment: The p.Q1802R variant (also known as c.5405A>G), located in coding exon 38 of the DMD gene, results from an A to G substitution at nucleotide position 5405. The glutamine at codon 1802 is replaced by arginine, an amino acid with highly similar properties. This amino acid position is well conserved in available vertebrate species. In addition, this alteration is predicted to be tolerated by in silico analysis. Since supporting evidence is limited at this time, the clinical significance of this alteration remains unclear.

Natera, Inc.
Classification: Uncertain significance for Becker muscular dystrophy; Cardiomyopathy; Duchenne muscular dystrophy; Dystrophin deficiency. Last evaluated: 2018-10-01. Review status: no assertion criteria provided. Collection method: clinical testing. Allele origin: germline. Not counted in ClinVar's aggregate classification.

NM_004006.3(DMD):c.5405A>G (p.Gln1802Arg)

Gene: DMD (dystrophin; minus strand). Cytogenetic location: Xp21.1.
Variant type: single nucleotide variant.
Coding change: c.5405A>G on transcript NM_004006.3 (MANE Select); coding-DNA position 5405, A replaced by G.
Protein change: p.Gln1802Arg; replaces glutamine 1802 with arginine.
Molecular consequence: missense variant.
Genome position (GRCh38, 1-based): chrX:32,348,449, T>C on the plus strand (A>G on the coding strand, the complement: DMD is on the minus strand). VCF-style: chrX-32348449-T-C. GRCh37 (hg19) VCF-style: chrX-32366566-T-C.
Other names: c.5381A>G, p.Gln1794Arg (NM_000109.4); c.5393A>G, p.Gln1798Arg (NM_004009.3); c.5036A>G, p.Gln1679Arg (NM_004010.3); c.1382A>G, p.Gln461Arg (NM_004011.4); c.1373A>G, p.Gln458Arg (NM_004012.4); short protein forms Q461R, Q1679R, Q1794R, Q1798R, Q1802R, Q458R.
Identifiers: ClinVar variation 863164 (VCV000863164.12), dbSNP rs893536407, ClinGen allele CA327985119.
Genomic context (GRCh38, chrX:32,348,449, plus strand): 5'-TATCACAACCAATTTACCATATCTTTATTGAAGTCTTCCTCTTTCAGATTCACCCCCTGC[T>C]GAATTTCAGCCTCCAGTGGTTCAAGCAATTTTTGTATATCTGAGTTAAACTGCTCCAATT-3'
Protein context (NP_003997.2, residues 1792-1812): KLLEPLEAEI[Gln1802Arg]QGVNLKEEDF